The following is an entry in ClinVar:

ClinVar aggregate classification (germline): Uncertain significance (1 of 4 stars; one submission).

Allele frequency attached by ClinVar (database versions not stated): gnomAD exomes below 0.00001; TOPMed below 0.00001.
gnomAD v4.1: 2 of 1,614,092 alleles (0.00012%); highest among the groups gnomAD compares: Non-Finnish European, 0.00017%; no homozygotes.

Submission:

Mayo Clinic Laboratories, Mayo Clinic
Classification: Uncertain significance. Last evaluated: 2022-05-13. Review status: criteria provided, single submitter. Criteria: ACMG Guidelines, 2015. Collection method: clinical testing. Allele origin: germline. Observed: 1 variant allele.
Comment: BP4, PM2

NM_014363.6(SACS):c.2894C>T (p.Ser965Leu)

Gene: SACS (sacsin molecular chaperone; minus strand). Cytogenetic location: 13q12.12.
Variant type: single nucleotide variant.
Coding change: c.2894C>T on transcript NM_014363.6 (MANE Select); coding-DNA position 2894, C replaced by T.
Protein change: p.Ser965Leu; replaces serine 965 with leucine.
Molecular consequence: missense variant.
Genome position (GRCh38, 1-based): chr13:23,340,982, G>A on the plus strand (C>T on the coding strand, the complement: SACS is on the minus strand). VCF-style: chr13-23340982-G-A. GRCh37 (hg19) VCF-style: chr13-23915121-G-A.
Other names: p.Ser965Leu; c.2453C>T, p.Ser818Leu (NM_001278055.2); short protein forms S818L, S965L.
Identifiers: ClinVar variation 2683227 (VCV002683227.1), dbSNP rs1869153211, ClinGen allele CA387537393.
Genomic context (GRCh38, chr13:23,340,982, plus strand): 5'-TGTTCTATTTTCAACATGTTTGCCAGACGAATAGTAGCTTCATCACTACTGTCTATTACT[G>A]AAATAGAAAGTCGCAGATCTGCTGGGAGTTTGGCAGTATGGTGTAAGACTTTACAACCTT-3'
Protein context (NP_055178.3, residues 955-975): KLPADLRLSI[Ser965Leu]VIDSSDEATI